The following is an entry in ClinVar:

Conditions:
Breast-ovarian cancer, familial, susceptibility to, 1 (BROVCA1). Also called: BRCA1 Hereditary Breast and Ovarian Cancer; OVARIAN CANCER, SUSCEPTIBILITY TO. Identifiers: Orphanet 145, MedGen C2676676, MONDO:0011450, OMIM 604370. Disease mechanism: loss of function.

Submission:

Brotman Baty Institute, University of Washington
No classification provided (evidence only). Condition: Breast-ovarian cancer, familial 1. Review status: no classification provided. Collection method: in vitro. Allele origin: not applicable. Functional consequence: functionally_normal.
ClinVar note: "not provided" was previously submitted as the classification for the variant. However, the classification appeared to be based only on an observation of functional data so it was converted to no classification on 2025-07-30.

NM_007294.4(BRCA1):c.5278-19T>C

Gene: BRCA1 (BRCA1 DNA repair associated; minus strand). Cytogenetic location: 17q21.31.
Variant type: single nucleotide variant.
Coding change: c.5278-19T>C on transcript NM_007294.4 (MANE Select); 19 bases into the intron before coding-DNA position 5278, T replaced by C.
Molecular consequence: intron variant.
Genome position (GRCh38, 1-based): chr17:43,051,136, A>G on the plus strand (T>C on the coding strand, the complement: BRCA1 is on the minus strand). VCF-style: chr17-43051136-A-G. GRCh37 (hg19) VCF-style: chr17-41203153-A-G.
Other names: c.1825-19T>C (NM_001408458.1, NM_001408461.1, NM_001408464.1 and 7 more transcripts); c.4387-19T>C (NM_001407967.1); c.4897-19T>C (NM_001407959.1); c.5011-19T>C (NM_001407931.1, NM_001407932.1, NM_001407928.1 and 4 more transcripts); c.5134-19T>C (NM_001407747.1, NM_001407745.1, NM_001407737.1 and 21 more transcripts); c.4894-19T>C (NM_001407962.1, NM_001407960.1); c.1465-19T>C (NM_001408512.1); c.1588-19T>C (NM_001408510.1); and 74 more.
Identifiers: ClinVar variation 865244 (VCV000865244.3), dbSNP rs1597804604, ClinGen allele CA916081097.